The following is an entry in ClinVar:

NM_003482.4(KMT2D):c.5429dup (p.Gly1811fs)

Gene: KMT2D (lysine methyltransferase 2D; minus strand). Cytogenetic location: 12q13.12.
Variant type: Duplication.
Coding change: c.5429dup on transcript NM_003482.4 (MANE Select); coding-DNA position 5429, one base duplicated (G; older notation c.5429dupG).
Protein change: p.Gly1811fs; shifts the reading frame from glycine 1811.
Molecular consequence: frameshift variant.
Genome position (GRCh38, 1-based): chr12:49,043,673, C duplicated on the plus strand (G on the coding strand, the reverse complement: KMT2D is on the minus strand); the first of 2 consecutive C bases (chr12:49,043,673-49,043,674); duplicating either gives the same sequence. VCF-style (leftmost placement, unchanged base first): chr12-49043672-T-TC. GRCh37 (hg19) VCF-style: chr12-49437455-T-TC.
Other names: short protein forms G1811fs.
Identifiers: ClinVar variation 2057104 (VCV002057104.4), dbSNP rs2498414823, ClinGen allele CA2580086332.

ClinVar aggregate classification (germline): Pathogenic (1 of 4 stars; one submission).

Conditions:
Kabuki syndrome. Also called: NIIKAWA-KUROKI SYNDROME; Kabuki make-up syndrome. Identifiers: Orphanet 2322, MedGen C0796004, MONDO:0016512.

Submission:

Labcorp Genetics (formerly Invitae), Labcorp
Classification: Pathogenic for Kabuki syndrome. Last evaluated: 2021-12-24. Review status: criteria provided, single submitter. Criteria: Invitae Variant Classification Sherloc (09022015). Collection method: clinical testing. Allele origin: germline.
Comment: For these reasons, this variant has been classified as Pathogenic. This variant has not been reported in the literature in individuals affected with KMT2D-related conditions. This variant is not present in population databases (gnomAD no frequency). This sequence change creates a premature translational stop signal (p.Gly1811Argfs*15) in the KMT2D gene. It is expected to result in an absent or disrupted protein product. Loss-of-function variants in KMT2D are known to be pathogenic (PMID: 22126750).

Literature cited by the submitters: PubMed 22126750.